The following is an entry in ClinVar:

NM_006567.5(FARS2):c.578A>G (p.Gln193Arg)

Genes: FARS2 (phenylalanyl-tRNA synthetase 2, mitochondrial; plus strand), LOC126859565 (CDK7 strongly-dependent group 2 enhancer GRCh37_chr6:5368745-5369944; plus strand). Cytogenetic location: 6p25.1.
Variant type: single nucleotide variant.
Coding change: c.578A>G on transcript NM_006567.5 (MANE Select); coding-DNA position 578, A replaced by G.
Protein change: p.Gln193Arg; replaces glutamine 193 with arginine.
Molecular consequence: missense variant. On other transcripts: intron variant (2).
Genome position (GRCh38, 1-based): chr6:5,369,148, A>G. VCF-style: chr6-5369148-A-G. GRCh37 (hg19) VCF-style: chr6-5369381-A-G.
Other names: c.578A>G, p.Gln193Arg (NM_001318872.2, NM_001374875.1, NM_001374876.1 and 5 more transcripts); c.-340-27485A>G (NM_001375260.1); c.-84-35394A>G (NM_001375259.1); short protein forms Q193R.
Identifiers: ClinVar variation 576093 (VCV000576093.9), dbSNP rs1561990721, ClinGen allele CA362735586.

ClinVar aggregate classification (germline): Uncertain significance (1 of 4 stars; one submission).

Conditions:
Combined oxidative phosphorylation defect type 14. Also called: Combined oxidative phosphorylation deficiency 14. Identifiers: Orphanet 319519, MedGen C4755312, MONDO:0013986, OMIM 614946.

Submission:

Labcorp Genetics (formerly Invitae), Labcorp
Classification: Uncertain significance for Combined oxidative phosphorylation defect type 14. Last evaluated: 2018-01-24. Review status: criteria provided, single submitter. Criteria: Invitae Variant Classification Sherloc (09022015). Collection method: clinical testing. Allele origin: germline.
Comment: This sequence change replaces glutamine with arginine at codon 193 of the FARS2 protein (p.Gln193Arg). The glutamine residue is highly conserved and there is a small physicochemical difference between glutamine and arginine. In summary, the available evidence is currently insufficient to determine the role of this variant in disease. Therefore, it has been classified as a Variant of Uncertain Significance. Algorithms developed to predict the effect of missense changes on protein structure and function do not agree on the potential impact of this missense change (SIFT: "Deleterious"; PolyPhen-2: "Probably Damaging"; Align-GVGD: "Class C0"). This variant has not been reported in the literature in individuals with FARS2-related disease. This variant is not present in population databases (ExAC no frequency).